The following is an entry in ClinVar:

NM_000237.3(LPL):c.423G>C (p.Trp141Cys)

Gene: LPL (lipoprotein lipase; plus strand). Cytogenetic location: 8p21.3.
Variant type: single nucleotide variant.
Coding change: c.423G>C on transcript NM_000237.3 (MANE Select); coding-DNA position 423, G replaced by C.
Protein change: p.Trp141Cys; replaces tryptophan 141 with cysteine.
Molecular consequence: missense variant.
Genome position (GRCh38, 1-based): chr8:19,951,942, G>C. VCF-style: chr8-19951942-G-C. GRCh37 (hg19) VCF-style: chr8-19809453-G-C.
Other names: short protein forms W141C.
Identifiers: ClinVar variation 1212446 (VCV001212446.5), dbSNP rs1157393817, ClinGen allele CA370467767.

ClinVar aggregate classification (germline): Likely pathogenic (1 of 4 stars; one submission).

Submission:

GeneDx
Classification: Likely pathogenic. Last evaluated: 2024-05-23. Review status: criteria provided, single submitter. Criteria: GeneDx Variant Classification Process June 2021. Collection method: clinical testing. Allele origin: germline. Affected: yes.
Comment: In silico analysis supports that this missense variant has a deleterious effect on protein structure/function; Has not been previously published as pathogenic or benign to our knowledge; Not observed at significant frequency in large population cohorts (gnomAD)